The following is an entry in ClinVar:

NM_006947.4(SRP72):c.248A>C (p.Glu83Ala)

Gene: SRP72 (signal recognition particle 72; plus strand). Cytogenetic location: 4q12.
Variant type: single nucleotide variant.
Coding change: c.248A>C on transcript NM_006947.4 (MANE Select); coding-DNA position 248, A replaced by C.
Protein change: p.Glu83Ala; replaces glutamic acid 83 with alanine.
Molecular consequence: missense variant. On other transcripts: non-coding transcript variant (1).
Genome position (GRCh38, 1-based): chr4:56,471,737, A>C. VCF-style: chr4-56471737-A-C. GRCh37 (hg19) VCF-style: chr4-57337903-A-C.
Other names: c.248A>C, p.Glu83Ala (NM_001267722.2); short protein forms E83A.
Identifiers: ClinVar variation 4589600 (VCV004589600.1).
Genomic context (GRCh38, chr4:56,471,737, plus strand): 5'-TTGTTAGATAATAATCAGATACTGTTTTTTTTTCCTTCTTCAGTAACTCTCTCTCCTTTG[A>C]AAAGGCATATTGCGAGTACAGGCTGAACAGAATTGAGAATGCCTTGAAGACAATAGAAAG-3'
Protein context (NP_008878.3, residues 73-93): KVLANNSLSF[Glu83Ala]KAYCEYRLNR

ClinVar aggregate classification (germline): Uncertain significance (1 of 4 stars; one submission).

Submission:

Ambry Genetics
Classification: Uncertain significance. Last evaluated: 2025-10-14. Review status: criteria provided, single submitter. Criteria: Ambry Variant Classification Scheme 2023. Collection method: clinical testing. Allele origin: germline.
Comment: The p.E83A variant (also known as c.248A>C), located in coding exon 3 of the SRP72 gene, results from an A to C substitution at nucleotide position 248. The glutamic acid at codon 83 is replaced by alanine, an amino acid with dissimilar properties. This amino acid position is conserved. In addition, this alteration is predicted to be deleterious by in silico analysis. Based on the available evidence, the clinical significance of this variant remains unclear.